The following is an entry in ClinVar:

ClinVar aggregate classification (germline): Uncertain significance (1 of 4 stars; one submission).

Conditions:
Gorlin syndrome. Also called: Nevoid Basal Cell Carcinoma Syndrome; Basal cell nevus syndrome. Identifiers: Orphanet 377, MedGen C0004779, MONDO:0007187.

Allele frequency attached by ClinVar (database versions not stated): gnomAD exomes below 0.00001.
gnomAD v4.1: 1 of 1,614,192 alleles (0.000062%); highest among the groups gnomAD compares: Non-Finnish European, 0.000085%; no homozygotes.

Submission:

Labcorp Genetics (formerly Invitae), Labcorp
Classification: Uncertain significance for Gorlin syndrome. Last evaluated: 2021-02-18. Review status: criteria provided, single submitter. Criteria: Invitae Variant Classification Sherloc (09022015). Collection method: clinical testing. Allele origin: germline.
Comment: This variant is not present in population databases (ExAC no frequency). In summary, the available evidence is currently insufficient to determine the role of this variant in disease. Therefore, it has been classified as a Variant of Uncertain Significance. Advanced modeling of protein sequence and biophysical properties (such as structural, functional, and spatial information, amino acid conservation, physicochemical variation, residue mobility, and thermodynamic stability) performed at Invitae indicates that this missense variant is expected to disrupt PTCH1 protein function. This variant has not been reported in the literature in individuals with PTCH1-related conditions. This sequence change replaces proline with leucine at codon 742 of the PTCH1 protein (p.Pro742Leu). The proline residue is highly conserved and there is a moderate physicochemical difference between proline and leucine.

NM_000264.5(PTCH1):c.2225C>T (p.Pro742Leu)

Genes: PTCH1 (patched 1; minus strand), LOC100507346 (uncharacterized LOC100507346; plus strand). Cytogenetic location: 9q22.32.
Variant type: single nucleotide variant.
Coding change: c.2225C>T on transcript NM_000264.5 (MANE Select); coding-DNA position 2225, C replaced by T.
Protein change: p.Pro742Leu; replaces proline 742 with leucine.
Molecular consequence: missense variant. On other transcripts: non-coding transcript variant (2).
Genome position (GRCh38, 1-based): chr9:95,468,776, G>A on the plus strand (C>T on the coding strand, the complement: PTCH1 is on the minus strand). VCF-style: chr9-95468776-G-A. GRCh37 (hg19) VCF-style: chr9-98231058-G-A.
Other names: c.2027C>T, p.Pro676Leu (NM_001083602.3); c.2222C>T, p.Pro741Leu (NM_001083603.3); c.1772C>T, p.Pro591Leu (NM_001083604.3, NM_001083605.3, NM_001083606.3 and 1 more transcripts); c.2069C>T, p.Pro690Leu (NM_001354918.2); short protein forms P591L, P676L, P690L, P741L, P742L.
Identifiers: ClinVar variation 1461260 (VCV001461260.8), dbSNP rs1185984575, ClinGen allele CA374115250.